The following is an entry in ClinVar:

ClinVar aggregate classification (germline): Uncertain significance. Review status: criteria provided, multiple submitters, no conflicts (2 of 4 stars). 2 submissions from 2 submitters: Uncertain significance (2). Last evaluated 2025-09-01.

Conditions:
Immunodeficiency 31B. Also called: STAT1 DEFICIENCY, AUTOSOMAL RECESSIVE; IMMUNODEFICIENCY 31B, MYCOBACTERIAL AND VIRAL INFECTIONS, AUTOSOMAL RECESSIVE. Identifiers: Orphanet 391311, MedGen C3151088, MONDO:0013427, OMIM 613796.
Autoimmune enteropathy and endocrinopathy - susceptibility to chronic infections syndrome. Also called: Immunodeficiency 31C; Immunodeficiency 31C, autosomal dominant. Identifiers: Orphanet 391487, MedGen C3279990, MONDO:0013599, OMIM 614162.
Mendelian susceptibility to mycobacterial diseases due to partial STAT1 deficiency. Also called: IMMUNODEFICIENCY 31A, MYCOBACTERIOSIS, AUTOSOMAL DOMINANT; STAT1 DEFICIENCY, AUTOSOMAL DOMINANT; Immunodeficiency 31a. Identifiers: Orphanet 319595, MedGen C4013950, MONDO:0013956, OMIM 614892.
Inborn genetic diseases. Identifiers: MedGen C0950123, MeSH D030342.

Allele frequency attached by ClinVar (database versions not stated): TOPMed 0.00002; gnomAD 0.00003 and 0.00004.
gnomAD v4.1: 10 of 1,613,792 alleles (0.00062%); highest among the groups gnomAD compares: African/African-American, 0.0093%; no homozygotes.

Submissions (2):

Ambry Genetics
Classification: Uncertain significance for Inborn genetic diseases. Last evaluated: 2025-09-01. Review status: criteria provided, single submitter. Criteria: Ambry Variant Classification Scheme 2023. Collection method: clinical testing. Allele origin: germline.

Labcorp Genetics (formerly Invitae), Labcorp
Classification: Uncertain significance for Mendelian susceptibility to mycobacterial diseases due to partial STAT1 deficiency; Immunodeficiency 31B; Autoimmune enteropathy and endocrinopathy - susceptibility to chronic infections syndrome. Last evaluated: 2022-11-01. Review status: criteria provided, single submitter. Criteria: Invitae Variant Classification Sherloc (09022015). Collection method: clinical testing. Allele origin: germline.
Comment: In summary, the available evidence is currently insufficient to determine the role of this variant in disease. Therefore, it has been classified as a Variant of Uncertain Significance. Algorithms developed to predict the effect of missense changes on protein structure and function (SIFT, PolyPhen-2, Align-GVGD) all suggest that this variant is likely to be tolerated. ClinVar contains an entry for this variant (Variation ID: 1369542). This variant has not been reported in the literature in individuals affected with STAT1-related conditions. This variant is not present in population databases (gnomAD no frequency). This sequence change replaces aspartic acid, which is acidic and polar, with glutamic acid, which is acidic and polar, at codon 143 of the STAT1 protein (p.Asp143Glu).

NM_007315.4(STAT1):c.429C>G (p.Asp143Glu)

Gene: STAT1 (signal transducer and activator of transcription 1; minus strand). Cytogenetic location: 2q32.2.
Variant type: single nucleotide variant.
Coding change: c.429C>G on transcript NM_007315.4 (MANE Select); coding-DNA position 429, C replaced by G.
Protein change: p.Asp143Glu; replaces aspartic acid 143 with glutamic acid.
Molecular consequence: missense variant. On other transcripts: intron variant (1).
Genome position (GRCh38, 1-based): chr2:191,001,107, G>C on the plus strand (C>G on the coding strand, the complement: STAT1 is on the minus strand). VCF-style: chr2-191001107-G-C. GRCh37 (hg19) VCF-style: chr2-191865833-G-C.
Other names: c.429C>G, p.Asp143Glu (NM_001384880.1, NM_001384882.1, NM_001384883.1 and 6 more transcripts); c.435C>G, p.Asp145Glu (NM_001384881.1, NM_001384884.1); c.465C>G, p.Asp155Glu (NM_001384891.1); c.373-1403C>G (NM_001384890.1); c.429C>G (NM_007315.3); short protein forms D145E, D155E, D143E.
Identifiers: ClinVar variation 1369542 (VCV001369542.7), dbSNP rs780853224, ClinGen allele CA349925280.
Genomic context (GRCh38, chr2:191,001,107, plus strand): 5'-AAATGCATGTGTTTACTCAATACTCACCATAACCTTGTCCTTCACATTTCTGACTTTACT[G>C]TCAAGCTCTTTCTGTTTGTCTAACATCACTGTGCTCTGAATATTCCCCGACTGAGCCTGT-3'
Protein context (NP_009330.1, residues 133-153): TVMLDKQKEL[Asp143Glu]SKVRNVKDKV